The following is an entry in ClinVar:

NM_138694.4(PKHD1):c.11668A>G (p.Thr3890Ala)

Gene: PKHD1 (PKHD1 ciliary IPT domain containing fibrocystin/polyductin; minus strand). Cytogenetic location: 6p12.3.
Variant type: single nucleotide variant.
Coding change: c.11668A>G on transcript NM_138694.4 (MANE Select); coding-DNA position 11668, A replaced by G.
Protein change: p.Thr3890Ala; replaces threonine 3890 with alanine.
Molecular consequence: missense variant.
Genome position (GRCh38, 1-based): chr6:51,627,114, T>C on the plus strand (A>G on the coding strand, the complement: PKHD1 is on the minus strand). VCF-style: chr6-51627114-T-C. GRCh37 (hg19) VCF-style: chr6-51491912-T-C.
Other names: short protein forms T3890A.
Identifiers: ClinVar variation 1503055 (VCV001503055.7), dbSNP rs2150278411, ClinGen allele CA364419011.
Genomic context (GRCh38, chr6:51,627,114, plus strand): 5'-AGATGTGGATATGAATATTTTGATTATTAGTCTGGGATTCAGGAATCTCTTCAGGTTTTG[T>C]TTCTGTATTAATGGAGAAGAAAAAGGATTTTTTTGTTCAGTTGTAAGTGGGACCATCAGC-3'
Protein context (NP_619639.3, residues 3880-3900): CWLKRSKSRK[Thr3890Ala]KPEEIPESQT

ClinVar aggregate classification (germline): Uncertain significance (1 of 4 stars; one submission).

Conditions:
Autosomal recessive polycystic kidney disease (ARPKD). Also called: AR polycystic kidney disease. Identifiers: Orphanet 731, Orphanet 8378, MedGen C0085548, MeSH D017044, MONDO:0009889.

Submission:

Labcorp Genetics (formerly Invitae), Labcorp
Classification: Uncertain significance for Autosomal recessive polycystic kidney disease. Last evaluated: 2021-08-11. Review status: criteria provided, single submitter. Criteria: Invitae Variant Classification Sherloc (09022015). Collection method: clinical testing. Allele origin: germline.
Comment: In summary, the available evidence is currently insufficient to determine the role of this variant in disease. Therefore, it has been classified as a Variant of Uncertain Significance. Algorithms developed to predict the effect of missense changes on protein structure and function (SIFT, PolyPhen-2, Align-GVGD) all suggest that this variant is likely to be tolerated. This variant has not been reported in the literature in individuals affected with PKHD1-related conditions. This variant is not present in population databases (ExAC no frequency). This sequence change replaces threonine with alanine at codon 3890 of the PKHD1 protein (p.Thr3890Ala). The threonine residue is weakly conserved and there is a small physicochemical difference between threonine and alanine.